The following is an entry in ClinVar:

NM_015158.5(KANK1):c.3299T>C (p.Ile1100Thr)

Gene: KANK1 (KN motif and ankyrin repeat domains 1; plus strand). Cytogenetic location: 9p24.3.
Variant type: single nucleotide variant.
Coding change: c.3299T>C on transcript NM_015158.5 (MANE Select); coding-DNA position 3299, T replaced by C.
Protein change: p.Ile1100Thr; replaces isoleucine 1100 with threonine.
Molecular consequence: missense variant. On other transcripts: non-coding transcript variant (1).
Genome position (GRCh38, 1-based): chr9:734,801, T>C. VCF-style: chr9-734801-T-C. GRCh37 (hg19) VCF-style: chr9-734801-T-C.
Other names: c.3299T>C, p.Ile1100Thr (NM_001256876.3, NM_001256877.3, NM_001354334.2); c.3059T>C, p.Ile1020Thr (NM_001354331.2); c.3245T>C, p.Ile1082Thr (NM_001354332.2); c.2825T>C, p.Ile942Thr (NM_001354333.2, NM_001354335.2, NM_001354337.2 and 2 more transcripts); c.2531T>C, p.Ile844Thr (NM_001354336.2); c.2771T>C, p.Ile924Thr (NM_001354338.2, NM_001354340.2, NM_001354344.2); c.2585T>C, p.Ile862Thr (NM_001354339.2, NM_001354342.2, NM_001354343.2); c.3299T>C (NM_015158.2); short protein forms I1100T, I844T, I942T, I1020T, I1082T, I924T, I862T.
Identifiers: ClinVar variation 2129939 (VCV002129939.5), dbSNP rs1416304998, ClinGen allele CA372758163.

ClinVar aggregate classification (germline): Uncertain significance. Review status: criteria provided, multiple submitters, no conflicts (2 of 4 stars). 2 submissions from 2 submitters: Uncertain significance (2). Last evaluated 2025-04-03.

gnomAD v4.1: 1 of 1,613,902 alleles (0.000062%); highest among the groups gnomAD compares: Non-Finnish European, 0.000085%; no homozygotes.

Submissions (2):

Ambry Genetics
Classification: Uncertain significance. Last evaluated: 2025-04-03. Review status: criteria provided, single submitter. Criteria: Ambry Variant Classification Scheme 2023. Collection method: clinical testing. Allele origin: germline.

Labcorp Genetics (formerly Invitae), Labcorp
Classification: Uncertain significance. Last evaluated: 2022-09-27. Review status: criteria provided, single submitter. Criteria: Invitae Variant Classification Sherloc (09022015). Collection method: clinical testing. Allele origin: germline.
Comment: This sequence change replaces isoleucine, which is neutral and non-polar, with threonine, which is neutral and polar, at codon 1100 of the KANK1 protein (p.Ile1100Thr). This variant is present in population databases (no rsID available, gnomAD 0.0009%). This variant has not been reported in the literature in individuals affected with KANK1-related conditions. Advanced modeling of protein sequence and biophysical properties (such as structural, functional, and spatial information, amino acid conservation, physicochemical variation, residue mobility, and thermodynamic stability) performed at Invitae indicates that this missense variant is expected to disrupt KANK1 protein function. In summary, the available evidence is currently insufficient to determine the role of this variant in disease. Therefore, it has been classified as a Variant of Uncertain Significance.